The following is an entry in ClinVar:

ClinVar aggregate classification (germline): Uncertain significance (1 of 4 stars; one submission).

Submission:

Ambry Genetics
Classification: Uncertain significance. Last evaluated: 2021-06-25. Review status: criteria provided, single submitter. Criteria: Ambry Variant Classification Scheme 2023. Collection method: clinical testing. Allele origin: germline.
Comment: The p.G110R variant (also known as c.328G>C), located in coding exon 1 of the TERF2IP gene, results from a G to C substitution at nucleotide position 328. The glycine at codon 110 is replaced by arginine, an amino acid with dissimilar properties. This amino acid position is conserved. In addition, this alteration is predicted to be tolerated by in silico analysis. Since supporting evidence is limited at this time, the clinical significance of this alteration remains unclear.

NM_018975.4(TERF2IP):c.328G>C (p.Gly110Arg)

Gene: TERF2IP (TERF2 interacting protein; plus strand). Cytogenetic location: 16q23.1.
Variant type: single nucleotide variant.
Coding change: c.328G>C on transcript NM_018975.4 (MANE Select); coding-DNA position 328, G replaced by C.
Protein change: p.Gly110Arg; replaces glycine 110 with arginine.
Molecular consequence: missense variant. On other transcripts: non-coding transcript variant (1).
Genome position (GRCh38, 1-based): chr16:75,648,210, G>C. VCF-style: chr16-75648210-G-C. GRCh37 (hg19) VCF-style: chr16-75682108-G-C.
Other names: short protein forms G110R.
Identifiers: ClinVar variation 1729835 (VCV001729835.2), dbSNP rs2507073600, ClinGen allele CA396817678.